The following is an entry in ClinVar:

ClinVar aggregate classification (germline): Likely benign (0 of 4 stars; one submission).

Conditions:
TRIP12-related disorder. Also called: TRIP12-related condition.

Allele frequency attached by ClinVar (database versions not stated): gnomAD exomes below 0.00001; ExAC 0.00001; gnomAD 0.00005; TOPMed 0.00007.
gnomAD v4.1: 11 of 1,613,834 alleles (0.00068%); highest among the groups gnomAD compares: African/African-American, 0.015%; no homozygotes.

Submission:

PreventionGenetics, part of Exact Sciences
Classification: Likely benign for TRIP12-related condition. Last evaluated: 2022-09-08. Review status: no assertion criteria provided. Collection method: clinical testing. Allele origin: germline.
Comment: This variant is classified as likely benign based on ACMG/AMP sequence variant interpretation guidelines (Richards et al. 2015 PMID: 25741868, with internal and published modifications).

NM_001348323.3(TRIP12):c.6153A>T (p.Glu2051Asp)

Gene: TRIP12 (thyroid hormone receptor interactor 12; minus strand). Cytogenetic location: 2q36.3.
Variant type: single nucleotide variant.
Coding change: c.6153A>T on transcript NM_001348323.3 (MANE Select); coding-DNA position 6153, A replaced by T.
Protein change: p.Glu2051Asp; replaces glutamic acid 2051 with aspartic acid.
Molecular consequence: missense variant.
Genome position (GRCh38, 1-based): chr2:229,767,605, T>A on the plus strand (A>T on the coding strand, the complement: TRIP12 is on the minus strand). VCF-style: chr2-229767605-T-A. GRCh37 (hg19) VCF-style: chr2-230632321-T-A.
Other names: c.6072A>T, p.Glu2024Asp (NM_001284214.2, NM_001348315.2); c.6027A>T, p.Glu2009Asp (NM_001284215.2, NM_001348316.2); c.5118A>T, p.Glu1706Asp (NM_001284216.2); c.6012A>T, p.Glu2004Asp (NM_001348317.1, NM_001348318.2); c.6138A>T, p.Glu2046Asp (NM_001348319.1, NM_001348320.2); c.6141A>T, p.Glu2047Asp (NM_001348321.1); c.6153A>T, p.Glu2051Asp (NM_001348322.1, NM_001348324.2, NM_001348325.2 and 2 more transcripts); c.6156A>T, p.Glu2052Asp (NM_001348328.1, NM_001348329.2, NM_001348330.2); and 4 more; short protein forms E1706D, E1976D, E1977D, E2004D, E2009D, E2017D, E2024D, E2025D.
Identifiers: ClinVar variation 3058700 (VCV003058700.2), dbSNP rs779710378, ClinGen allele CA2152161.